The following is an entry in ClinVar:

ClinVar aggregate classification (germline): Uncertain significance. Review status: criteria provided, multiple submitters, no conflicts (2 of 4 stars). 2 submissions from 2 submitters: Uncertain significance (2). Last evaluated 2024-08-30.

Conditions:
Retinoblastoma (RB1). Also called: RETINOBLASTOMA, SOMATIC. Identifiers: Orphanet 790, MedGen C0035335, MeSH D012175, MONDO:0008380, OMIM 180200, HP:0009919. Disease mechanism: loss of function. Inheritance: Both sporadic and heritable forms are tested..
Hereditary cancer-predisposing syndrome. Also called: Neoplastic Syndromes, Hereditary; Tumor predisposition; Hereditary Cancer Syndrome; Hereditary neoplastic syndrome. Identifiers: Orphanet 140162, MedGen C0027672, MeSH D009386, MONDO:0015356.

Submissions (2):

Ambry Genetics
Classification: Uncertain significance for Hereditary cancer-predisposing syndrome. Last evaluated: 2024-08-30. Review status: criteria provided, single submitter. Criteria: Ambry Variant Classification Scheme 2023. Collection method: clinical testing. Allele origin: germline.
Comment: The p.V288M variant (also known as c.862G>A) is located in coding exon 9 of the RB1 gene. The valine at codon 288 is replaced by methionine, an amino acid with highly similar properties. This change occurs in the first base pair of coding exon 9. This amino acid position is conserved. In addition, the in silico prediction for this alteration is inconclusive. Based on the available evidence, the clinical significance of this variant remains unclear.

Labcorp Genetics (formerly Invitae), Labcorp
Classification: Uncertain significance for Retinoblastoma. Last evaluated: 2024-05-21. Review status: criteria provided, single submitter. Criteria: Invitae Variant Classification Sherloc (09022015). Collection method: clinical testing. Allele origin: germline.
Comment: This sequence change replaces valine, which is neutral and non-polar, with methionine, which is neutral and non-polar, at codon 288 of the RB1 protein (p.Val288Met). This variant is not present in population databases (gnomAD no frequency). This variant has not been reported in the literature in individuals affected with RB1-related conditions. ClinVar contains an entry for this variant (Variation ID: 527900). An algorithm developed to predict the effect of missense changes on protein structure and function (PolyPhen-2) suggests that this variant is likely to be disruptive. In summary, the available evidence is currently insufficient to determine the role of this variant in disease. Therefore, it has been classified as a Variant of Uncertain Significance.

NM_000321.3(RB1):c.862G>A (p.Val288Met)

Gene: RB1 (RB transcriptional corepressor 1; plus strand). Cytogenetic location: 13q14.2.
Variant type: single nucleotide variant.
Coding change: c.862G>A on transcript NM_000321.3 (MANE Select); coding-DNA position 862, G replaced by A.
Protein change: p.Val288Met; replaces valine 288 with methionine.
Molecular consequence: missense variant.
Genome position (GRCh38, 1-based): chr13:48,364,894, G>A. VCF-style: chr13-48364894-G-A. GRCh37 (hg19) VCF-style: chr13-48939030-G-A.
Other names: short protein forms V288M.
Identifiers: ClinVar variation 527900 (VCV000527900.9), dbSNP rs1555285117, ClinGen allele CA388159825.
Genomic context (GRCh38, chr13:48,364,894, plus strand): 5'-TCAAGAGATTAGATTTTGTTTTAAATTTTAATGATCATGTTGTAACTTCATCTTTTTCAG[G>A]TGAAAAATGTTTATTTCAAAAATTTTATACCTTTTATGAATTCTCTTGGACTTGTAACAT-3'
Protein context (NP_000312.2, residues 278-298): CKEHECNIDE[Val288Met]KNVYFKNFIP